The following is an entry in ClinVar:

ClinVar aggregate classification (germline): Likely benign (1 of 4 stars; one submission).

Conditions:
HSD11B1-related disorder. Also called: HSD11B1-related condition.

gnomAD v4.1: 79 of 1,613,278 alleles (0.0049%); highest among the groups gnomAD compares: South Asian, 0.022%; no homozygotes.

Submission:

PreventionGenetics, part of Exact Sciences
Classification: Likely benign for HSD11B1-related condition. Last evaluated: 2024-10-25. Review status: criteria provided, single submitter. Criteria: ACMG Guidelines, 2015. Collection method: clinical testing. Allele origin: germline.
Comment: This variant is classified as likely benign based on ACMG/AMP sequence variant interpretation guidelines (Richards et al. 2015 PMID: 25741868, with internal and published modifications).

NM_005525.4(HSD11B1):c.72C>T (p.Asn24=)

Genes: HSD11B1 (hydroxysteroid 11-beta dehydrogenase 1; plus strand), HSD11B1-AS1 (HSD11B1 antisense RNA 1; minus strand). Cytogenetic location: 1q32.2.
Variant type: single nucleotide variant.
Coding change: c.72C>T on transcript NM_005525.4 (MANE Select); coding-DNA position 72, C replaced by T.
Protein change: p.Asn24=; no amino-acid change (asparagine 24 retained).
Molecular consequence: synonymous variant.
Genome position (GRCh38, 1-based): chr1:209,705,014, C>T. VCF-style: chr1-209705014-C-T. GRCh37 (hg19) VCF-style: chr1-209878359-C-T.
Other names: c.72C>T, p.Asn24= (NM_001206741.2, NM_181755.3).
Identifiers: ClinVar variation 4977243 (VCV004977243.1).